The following is an entry in ClinVar:

NM_004415.4(DSP):c.5339T>G (p.Leu1780Trp)

Gene: DSP (desmoplakin; plus strand). Cytogenetic location: 6p24.3.
Variant type: single nucleotide variant.
Coding change: c.5339T>G on transcript NM_004415.4 (MANE Select); coding-DNA position 5339, T replaced by G.
Protein change: p.Leu1780Trp; replaces leucine 1780 with tryptophan.
Molecular consequence: missense variant. On other transcripts: intron variant (2).
Genome position (GRCh38, 1-based): chr6:7,581,529, T>G. VCF-style: chr6-7581529-T-G. GRCh37 (hg19) VCF-style: chr6-7581762-T-G.
Other names: c.4051-1113T>G (NM_001319034.2); c.3583-1113T>G (NM_001008844.3); short protein forms L1780W.
Identifiers: ClinVar variation 3071974 (VCV003071974.2), dbSNP rs200331083, ClinGen allele CA133971030.
Genomic context (GRCh38, chr6:7,581,529, plus strand): 5'-ACAACCGGACCCTGGAACTGCAGGGGCTGATTAATGATTTACAGAGAGAGAGGGAAAATT[T>G]GAGACAGGAAATTGAGAAATTCCAAAAGCAGGCTTTAGAGGTATTCACAAATACTTGATC-3'
Protein context (NP_004406.2, residues 1770-1790): INDLQREREN[Leu1780Trp]RQEIEKFQKQ

ClinVar aggregate classification (germline): Uncertain significance (1 of 4 stars; one submission).

Conditions:
Arrhythmogenic cardiomyopathy with wooly hair and keratoderma. Also called: PALMOPLANTAR KERATODERMA WITH LEFT VENTRICULAR CARDIOMYOPATHY AND WOOLLY HAIR; Carvajal syndrome; Dilated cardiomyopathy with woolly hair and keratoderma; Arrhythmogenic cardiomyopathy with woolly hair and keratoderma. Identifiers: Orphanet 65282, MedGen C1854063, MONDO:0011581, OMIM 605676.

Allele frequency attached by ClinVar (database versions not stated): TOPMed below 0.00001; gnomAD 0.00001; 1000 Genomes Project 30x 0.00016; 1000 Genomes Project 0.00020.
gnomAD v4.1: 2 of 1,614,114 alleles (0.00012%); highest among the groups gnomAD compares: African/African-American, 0.0013%; no homozygotes.

Submission:

All of Us Research Program, National Institutes of Health
Classification: Uncertain significance for Arrhythmogenic cardiomyopathy with wooly hair and keratoderma. Last evaluated: 2024-05-09. Review status: criteria provided, single submitter. Criteria: ACMG Guidelines, 2015. Collection method: clinical testing. Allele origin: germline. Inheritance: Autosomal dominant inheritance. Observed: 2 variant alleles, 2 heterozygotes.
Comment: This missense variant replaces leucine with tryptophan at codon 1780 of the DSP protein. Computational prediction is inconclusive regarding the impact of this variant on protein structure and function (internally defined REVEL score threshold 0.5 < inconclusive < 0.7, PMID: 27666373). To our knowledge, functional studies have not been reported for this variant. This variant has not been reported in individuals affected with DSP-related disorders in the literature. This variant has been identified in 1/250262 chromosomes in the general population by the Genome Aggregation Database (gnomAD). The available evidence is insufficient to determine the role of this variant in disease conclusively. Therefore, this variant is classified as a Variant of Uncertain Significance.

This study involves interpretation of variants in research participants for the purpose of population health screening. Participant phenotype was not available at the time of variant classification. Additional details can be found in publication PMID: 35346344, PMCID: PMC8962531